The following is an entry in ClinVar:

NM_006623.4(PHGDH):c.659A>T (p.Asn220Ile)

Gene: PHGDH (phosphoglycerate dehydrogenase; plus strand). Cytogenetic location: 1p12.
Variant type: single nucleotide variant.
Coding change: c.659A>T on transcript NM_006623.4 (MANE Select); coding-DNA position 659, A replaced by T.
Protein change: p.Asn220Ile; replaces asparagine 220 with isoleucine.
Molecular consequence: missense variant.
Genome position (GRCh38, 1-based): chr1:119,735,310, A>T. VCF-style: chr1-119735310-A-T. GRCh37 (hg19) VCF-style: chr1-120277933-A-T.
Other names: short protein forms N220I.
Identifiers: ClinVar variation 2171844 (VCV002171844.1), dbSNP rs747235325, ClinGen allele CA1037213.

ClinVar aggregate classification (germline): Uncertain significance (1 of 4 stars; one submission).

Conditions:
PHGDH deficiency. Identifiers: Orphanet 79351, MedGen C1866174, MONDO:0011152, OMIM 601815.

Allele frequency attached by ClinVar (database versions not stated): TOPMed below 0.00001; ExAC 0.00001; gnomAD exomes 0.00001.
gnomAD v4.1: 15 of 1,614,174 alleles (0.00093%); highest among the groups gnomAD compares: Non-Finnish European, 0.0013%; no homozygotes.

Submission:

Labcorp Genetics (formerly Invitae), Labcorp
Classification: Uncertain significance for PHGDH deficiency. Last evaluated: 2022-05-12. Review status: criteria provided, single submitter. Criteria: Invitae Variant Classification Sherloc (09022015). Collection method: clinical testing. Allele origin: germline.
Comment: This sequence change replaces asparagine, which is neutral and polar, with isoleucine, which is neutral and non-polar, at codon 220 of the PHGDH protein (p.Asn220Ile). This variant is present in population databases (rs747235325, gnomAD 0.0009%). This variant has not been reported in the literature in individuals affected with PHGDH-related conditions. Algorithms developed to predict the effect of missense changes on protein structure and function (SIFT, PolyPhen-2, Align-GVGD) all suggest that this variant is likely to be tolerated. In summary, the available evidence is currently insufficient to determine the role of this variant in disease. Therefore, it has been classified as a Variant of Uncertain Significance.